The following is an entry in ClinVar:

ClinVar aggregate classification (germline): Pathogenic/Likely pathogenic. Review status: criteria provided, multiple submitters, no conflicts (2 of 4 stars). 2 submissions from 2 submitters: Pathogenic (1); Likely pathogenic (1). Last evaluated 2024-02-07.

Conditions:
Familial infantile myasthenia (CMS6). Also called: MYASTHENIC SYNDROME, PRESYNAPTIC, CONGENITAL, ASSOCIATED WITH EPISODIC APNEA; Congenital myasthenic syndrome type 6; MYASTHENIC SYNDROME, CONGENITAL, 6, PRESYNAPTIC. Identifiers: Orphanet 590, MedGen C0393929, MONDO:0009689, OMIM 254210.

Allele frequency attached by ClinVar (database versions not stated): gnomAD exomes below 0.00001; TOPMed below 0.00001; ExAC 0.00001; gnomAD 0.00001; ESP Exome Variant Server 0.00008.

Submissions (2):

Labcorp Genetics (formerly Invitae), Labcorp
Classification: Pathogenic for Familial infantile myasthenia. Last evaluated: 2024-02-07. Review status: criteria provided, single submitter. Criteria: Invitae Variant Classification Sherloc (09022015). Collection method: clinical testing. Allele origin: germline.
Comment: This sequence change creates a premature translational stop signal (p.Arg504*) in the CHAT gene. It is expected to result in an absent or disrupted protein product. Loss-of-function variants in CHAT are known to be pathogenic (PMID: 12548525, 21786365, 23292760). This variant is present in population databases (rs371470622, gnomAD 0.003%). This variant has not been reported in the literature in individuals affected with CHAT-related conditions. ClinVar contains an entry for this variant (Variation ID: 1452196). For these reasons, this variant has been classified as Pathogenic.

Baylor Genetics
Classification: Likely pathogenic for Familial infantile myasthenia. Last evaluated: 2023-12-07. Review status: criteria provided, single submitter. Criteria: ACMG Guidelines, 2015. Collection method: clinical testing. Allele origin: unknown.

Literature cited by the submitters: PubMed 12548525 (cited by Labcorp Genetics (formerly Invitae), Labcorp); PubMed 21786365 (cited by Labcorp Genetics (formerly Invitae), Labcorp); PubMed 23292760 (cited by Labcorp Genetics (formerly Invitae), Labcorp).

NM_020549.5(CHAT):c.1510C>T (p.Arg504Ter)

Gene: CHAT (choline O-acetyltransferase; plus strand). Cytogenetic location: 10q11.23.
Variant type: single nucleotide variant.
Coding change: c.1510C>T on transcript NM_020549.5 (MANE Select); coding-DNA position 1510, C replaced by T.
Protein change: p.Arg504Ter; replaces arginine 504 with a stop codon.
Molecular consequence: nonsense.
Genome position (GRCh38, 1-based): chr10:49,649,635, C>T. VCF-style: chr10-49649635-C-T. GRCh37 (hg19) VCF-style: chr10-50857681-C-T.
Other names: c.1156C>T, p.Arg386Ter (NM_001142929.2, NM_001142934.2, NM_020984.4 and 2 more transcripts); c.1264C>T, p.Arg422Ter (NM_001142933.2); short protein forms R386*, R422*, R504*.
Identifiers: ClinVar variation 1452196 (VCV001452196.8), dbSNP rs371470622, ClinGen allele CA5497524.
Genomic context (GRCh38, chr10:49,649,635, plus strand): 5'-CGGTGGAAATGCTCCCCGGAAATTCAAGGCCACTTAGCCTCCTCGGCAGAAAAACTTCAA[C>T]GGTAAGGATAACCGAAGTCTCCTTTGAGGGGTCCCCTAGGGACCACCCCGCCCTTGCCTA-3'